The following is an entry in ClinVar:

NM_203290.4(POLR1C):c.23A>G (p.Glu8Gly)

Genes: POLR1C (RNA polymerase I and III subunit C; plus strand), LOC129996517 (ATAC-STARR-seq lymphoblastoid active region 24602; plus strand). Cytogenetic location: 6p21.1.
Variant type: single nucleotide variant.
Coding change: c.23A>G on transcript NM_203290.4 (MANE Select); coding-DNA position 23, A replaced by G.
Protein change: p.Glu8Gly; replaces glutamic acid 8 with glycine.
Molecular consequence: missense variant.
Genome position (GRCh38, 1-based): chr6:43,517,132, A>G. VCF-style: chr6-43517132-A-G. GRCh37 (hg19) VCF-style: chr6-43484870-A-G.
Other names: c.23A>G, p.Glu8Gly (NM_001318876.2, NM_001363658.2); short protein forms E8G.
Identifiers: ClinVar variation 710934 (VCV000710934.12), dbSNP rs569005988, ClinGen allele CA3825272.

ClinVar aggregate classification (germline): Likely benign. Review status: criteria provided, single submitter (1 of 4 stars). 2 submissions from 2 submitters: Likely benign (1). 1 of the submissions does not count toward it. Last evaluated 2026-01-15.

Conditions:
POLR1C-related disorder. Also called: POLR1C-related condition; POLR1C-related disorders. Identifiers: MedGen CN239394, MONDO:0700278.

Allele frequency attached by ClinVar (database versions not stated): gnomAD 0.00008 and 0.00009; gnomAD exomes 0.00014 and 0.00070; TOPMed 0.00033; ExAC 0.00055.
gnomAD v4.1: 209 of 1,613,936 alleles (0.013%); highest among the groups gnomAD compares: Admixed American, 0.34%; 1 homozygote.

Submissions (2):

Labcorp Genetics (formerly Invitae), Labcorp
Classification: Likely benign. Last evaluated: 2026-01-15. Review status: criteria provided, single submitter. Criteria: Invitae Variant Classification Sherloc (09022015). Collection method: clinical testing. Allele origin: germline.

PreventionGenetics, part of Exact Sciences
Classification: Likely benign for POLR1C-related condition. Last evaluated: 2022-02-15. Review status: no assertion criteria provided. Collection method: clinical testing. Allele origin: germline. Not counted in ClinVar's aggregate classification.
Comment: This variant is classified as likely benign based on ACMG/AMP sequence variant interpretation guidelines (Richards et al. 2015 PMID: 25741868, with internal and published modifications).